The following is an entry in ClinVar:

ClinVar aggregate classification (germline): Uncertain significance (1 of 4 stars; one submission).

Conditions:
Arrhythmogenic right ventricular cardiomyopathy (ARVD). Also called: Arrhythmogenic right ventricular dysplasia; Cardiomyopathy, ARVC; Arrhythmogenic cardiomyopathy; Arrhythmogenic Right Ventricular Cardiomyopathy (ARVC). Identifiers: Orphanet 247, MedGen C0349788, MeSH D019571, MONDO:0016587. Disease mechanism: loss of function. Inheritance: Various modes of inheritance.

Submission:

All of Us Research Program, National Institutes of Health
Classification: Uncertain significance for Arrhythmogenic right ventricular cardiomyopathy. Last evaluated: 2023-10-06. Review status: criteria provided, single submitter. Criteria: ACMG Guidelines, 2015. Collection method: clinical testing. Allele origin: germline. Inheritance: Autosomal dominant inheritance. Observed: 1 variant allele, 1 heterozygote.
Comment: This missense variant replaces threonine with proline at codon 747 of the DSG2 protein. Computational prediction suggests that this variant may not impact protein structure and function (internally defined REVEL score threshold <= 0.5, PMID: 27666373). To our knowledge, functional studies have not been reported for this variant. This variant has not been reported in individuals affected with DSG2-related disorders in the literature. This variant has not been identified in the general population by the Genome Aggregation Database (gnomAD). The available evidence is insufficient to determine the role of this variant in disease conclusively. Therefore, this variant is classified as a Variant of Uncertain Significance.

This study involves interpretation of variants in research participants for the purpose of population health screening. Participant phenotype was not available at the time of variant classification. Additional details can be found in publication PMID: 35346344, PMCID: PMC8962531

NM_001943.5(DSG2):c.2239A>C (p.Thr747Pro)

Genes: DSG2 (desmoglein 2; plus strand), DSG2-AS1 (DSG2 antisense RNA 1; minus strand). Cytogenetic location: 18q12.1.
Variant type: single nucleotide variant.
Coding change: c.2239A>C on transcript NM_001943.5 (MANE Select); coding-DNA position 2239, A replaced by C.
Protein change: p.Thr747Pro; replaces threonine 747 with proline.
Molecular consequence: missense variant.
Genome position (GRCh38, 1-based): chr18:31,542,757, A>C. VCF-style: chr18-31542757-A-C. GRCh37 (hg19) VCF-style: chr18-29122720-A-C.
Other names: short protein forms T747P.
Identifiers: ClinVar variation 3073710 (VCV003073710.1), dbSNP rs2510920799, ClinGen allele CA402142722.